The following is an entry in ClinVar:

ClinVar aggregate classification (germline): Uncertain significance. Review status: criteria provided, single submitter (1 of 4 stars). 2 submissions from 2 submitters: Uncertain significance (1). 1 of the submissions does not count toward it. Last evaluated 2024-07-15.

Conditions:
Frontometaphyseal dysplasia (FMD1). Identifiers: Orphanet 1826, MedGen C0265293, MONDO:0015942.
Melnick-Needles syndrome (MNS). Also called: MELNICK-NEEDLES OSTEODYSPLASTY; OSTEODYSPLASTY OF MELNICK AND NEEDLES; Melnick-Needles Syndrome (FLNA-MNS). Identifiers: Orphanet 2484, MedGen C0025237, MONDO:0010650, OMIM 309350.
Heterotopia, periventricular, X-linked dominant (PVNH1). Also called: PERIVENTRICULAR NODULAR HETEROTOPIA 4; HETEROTOPIA, PERIVENTRICULAR, 1; PERIVENTRICULAR NODULAR HETEROTOPIA 1; X-linked periventricular heterotopia. Identifiers: Orphanet 2149, Orphanet 82004, MedGen C1848213, MONDO:0010233, OMIM 300049.
Oto-palato-digital syndrome, type II (OPD2). Also called: FACIOPALATOOSSEOUS SYNDROME; OPD II SYNDROME; Otopalatodigital Syndrome Type 2 (FLNA-OPD2); Otopalatodigital Syndrome, Type II. Identifiers: Orphanet 669, Orphanet 90652, MedGen C1844696, MONDO:0010571, OMIM 304120.
Marfan syndrome (MFS). Also called: MARFAN SYNDROME, TYPE I; FBN1-Related Marfan Syndrome; Marfan syndrome type 1; Marfan's syndrome; Marfan syndrome, classic. Identifiers: Orphanet 284963, Orphanet 558, MedGen C0024796, MONDO:0007947, OMIM 154700.

Submissions (2):

Labcorp Genetics (formerly Invitae), Labcorp
Classification: Uncertain significance for Oto-palato-digital syndrome, type II; Heterotopia, periventricular, X-linked dominant; Frontometaphyseal dysplasia; Melnick-Needles syndrome. Last evaluated: 2024-07-15. Review status: criteria provided, single submitter. Criteria: Invitae Variant Classification Sherloc (09022015). Collection method: clinical testing. Allele origin: germline.
Comment: This sequence change replaces glutamic acid, which is acidic and polar, with lysine, which is basic and polar, at codon 2059 of the FLNA protein (p.Glu2059Lys). This variant is not present in population databases (gnomAD no frequency). This variant has not been reported in the literature in individuals affected with FLNA-related conditions. ClinVar contains an entry for this variant (Variation ID: 492842). Advanced modeling of protein sequence and biophysical properties (such as structural, functional, and spatial information, amino acid conservation, physicochemical variation, residue mobility, and thermodynamic stability) performed at Invitae indicates that this missense variant is not expected to disrupt FLNA protein function with a negative predictive value of 95%. In summary, the available evidence is currently insufficient to determine the role of this variant in disease. Therefore, it has been classified as a Variant of Uncertain Significance.

Clinical Molecular Genetics Laboratory, Johns Hopkins All Children's Hospital
Classification: Uncertain significance for Marfan syndrome. Last evaluated: 2016-02-24. Review status: no assertion criteria provided. Collection method: clinical testing. Allele origin: germline. Affected: yes. Not counted in ClinVar's aggregate classification.

NM_001110556.2(FLNA):c.6199G>A (p.Glu2067Lys)

Gene: FLNA (filamin A; minus strand). Cytogenetic location: Xq28.
Variant type: single nucleotide variant.
Coding change: c.6199G>A on transcript NM_001110556.2 (MANE Select); coding-DNA position 6199, G replaced by A.
Protein change: p.Glu2067Lys; replaces glutamic acid 2067 with lysine.
Molecular consequence: missense variant.
Genome position (GRCh38, 1-based): chrX:154,353,028, C>T on the plus strand (G>A on the coding strand, the complement: FLNA is on the minus strand). VCF-style: chrX-154353028-C-T. GRCh37 (hg19) VCF-style: chrX-153581396-C-T.
Other names: c.6175G>A, p.Glu2059Lys (NM_001456.4); short protein forms E2059K, E2067K.
Identifiers: ClinVar variation 492842 (VCV000492842.9), dbSNP rs1557176102, ClinGen allele CA415195229.